The following is an entry in ClinVar:

NM_020877.5(DNAH2):c.12460-2A>G

Gene: DNAH2 (dynein axonemal heavy chain 2; plus strand). Cytogenetic location: 17p13.1.
Variant type: single nucleotide variant.
Coding change: c.12460-2A>G on transcript NM_020877.5 (MANE Select); the canonical splice acceptor site of the intron before coding-DNA position 12460, A replaced by G.
Molecular consequence: splice acceptor variant.
Genome position (GRCh38, 1-based): chr17:7,831,388, A>G. VCF-style: chr17-7831388-A-G. GRCh37 (hg19) VCF-style: chr17-7734706-A-G.
Identifiers: ClinVar variation 4850339 (VCV004850339.1).

ClinVar aggregate classification (germline): Likely pathogenic (1 of 4 stars; one submission).

Conditions:
Spermatogenic failure 45. Identifiers: MedGen C5436791, MONDO:0033671, OMIM 619094.

Submission:

First Genomix Gene Laboratory, Genetic Diagnostics Department
Classification: Likely pathogenic for Spermatogenic failure 45. Last evaluated: 2025-09-17. Review status: criteria provided, single submitter. Criteria: ACMG Guidelines, 2015. Collection method: clinical testing. Allele origin: germline. Inheritance: Autosomal recessive inheritance. Affected: no. Observed: 1 variant allele.